The following is an entry in ClinVar:

ClinVar aggregate classification (germline): Uncertain significance (1 of 4 stars; one submission).

Submission:

GeneDx
Classification: Uncertain significance. Last evaluated: 2024-03-28. Review status: criteria provided, single submitter. Criteria: GeneDx Variant Classification Process June 2021. Collection method: clinical testing. Allele origin: germline. Affected: yes.
Comment: Not observed at significant frequency in large population cohorts (gnomAD); In silico analysis supports that this missense variant has a deleterious effect on protein structure/function; Has not been previously published as pathogenic or benign to our knowledge

NM_182972.3(IRF2BP2):c.1665C>G (p.Cys555Trp)

Gene: IRF2BP2 (interferon regulatory factor 2 binding protein 2; minus strand). Cytogenetic location: 1q42.3.
Variant type: single nucleotide variant.
Coding change: c.1665C>G on transcript NM_182972.3 (MANE Select); coding-DNA position 1665, C replaced by G.
Protein change: p.Cys555Trp; replaces cysteine 555 with tryptophan.
Molecular consequence: missense variant.
Genome position (GRCh38, 1-based): chr1:234,607,236, G>C on the plus strand (C>G on the coding strand, the complement: IRF2BP2 is on the minus strand). VCF-style: chr1-234607236-G-C. GRCh37 (hg19) VCF-style: chr1-234742982-G-C.
Other names: c.1617C>G, p.Cys539Trp (NM_001077397.1); short protein forms C539W, C555W.
Identifiers: ClinVar variation 3371618 (VCV003371618.1).